The following is an entry in ClinVar:

NM_024685.4(BBS10):c.455del (p.His152fs)

Gene: BBS10 (Bardet-Biedl syndrome 10; minus strand). Cytogenetic location: 12q21.2.
Variant type: Deletion.
Coding change: c.455del on transcript NM_024685.4 (MANE Select); coding-DNA position 455, one base deleted (A; older notation c.455delA).
Protein change: p.His152fs; shifts the reading frame from histidine 152.
Molecular consequence: frameshift variant.
Genome position (GRCh38, 1-based): chr12:76,347,530, T deleted on the plus strand (A on the coding strand, the reverse complement: BBS10 is on the minus strand). VCF-style (leftmost placement, unchanged base first): chr12-76347529-GT-G. GRCh37 (hg19) VCF-style: chr12-76741309-GT-G.
Other names: short protein forms H152fs.
Identifiers: ClinVar variation 4816165 (VCV004816165.1).
Genomic context (GRCh38, chr12:76,347,529, plus strand): 5'-CAACTCTAAAGAGCTCCTACACAATGTTCTCTCTTTAGCAGACGAAAAGATAGACAAAAA[GT>G]GTCTACTTAGGTACTGGTCCATAATACCGTCTAATATTTGTGTCTGAAACGTTAGGAGAG-3'

ClinVar aggregate classification (germline): Likely pathogenic (1 of 4 stars; one submission).

Conditions:
Bardet-Biedl syndrome 10 (BBS10). Identifiers: Orphanet 110, MedGen C1859568, MONDO:0014438, OMIM 615987.

Submission:

Natera, Inc.
Classification: Likely pathogenic for Bardet-Biedl syndrome type 10. Last evaluated: 2024-05-20. Review status: criteria provided, single submitter. Criteria: Natera Variant Classification Schema (03/2026). Collection method: clinical testing. Allele origin: germline.
Comment: The c.455del variant in BBS10 is a frameshift variant predicted to shift the reading frame beginning at codon 152 and leads to a stop codon 19 codons downstream. This variant is expected to result in nonsense mediated decay, truncation, or a dysfunctional protein product. This variant is rare in the general population with a frequency below the threshold expected for the associated phenotype(s). Given the available evidence, this variant is classified as Likely Pathogenic.